The following is an entry in ClinVar:

NM_000363.5(TNNI3):c.1A>G (p.Met1Val)

Gene: TNNI3 (troponin I3, cardiac type; minus strand). Cytogenetic location: 19q13.42.
Variant type: single nucleotide variant.
Coding change: c.1A>G on transcript NM_000363.5 (MANE Select); coding-DNA position 1, A replaced by G.
Protein change: p.Met1Val; changes the start codon (methionine 1).
Molecular consequence: missense variant, initiator codon variant.
Genome position (GRCh38, 1-based): chr19:55,157,589, T>C on the plus strand (A>G on the coding strand, the complement: TNNI3 is on the minus strand). VCF-style: chr19-55157589-T-C. GRCh37 (hg19) VCF-style: chr19-55668957-T-C.
Other names: short protein forms M1V.
Identifiers: ClinVar variation 43365 (VCV000043365.9), dbSNP rs397516341, ClinGen allele CA021351.

ClinVar aggregate classification (germline): Uncertain significance. Review status: criteria provided, single submitter (1 of 4 stars). 4 submissions from 4 submitters: Uncertain significance (1). 3 of the submissions do not count toward it. Last evaluated 2024-08-06.

Conditions:
Hypertrophic cardiomyopathy. Also called: HYPERTROPHIC MYOCARDIOPATHY. Identifiers: Orphanet 217569, MedGen C0007194, MeSH D002312, MONDO:0005045, HP:0001639.

Submissions (4):

All of Us Research Program, National Institutes of Health
Classification: Uncertain significance for Hypertrophic cardiomyopathy. Last evaluated: 2024-08-06. Review status: criteria provided, single submitter. Criteria: ACMG Guidelines, 2015. Collection method: clinical testing. Allele origin: germline. Inheritance: Autosomal dominant inheritance. Observed: 2 variant alleles, 2 heterozygotes.
Comment: This study involves interpretation of variants in research participants for the purpose of population health screening. Participant phenotype was not available at the time of variant classification. Additional details can be found in publication PMID: 35346344, PMCID: PMC8962531

Laboratory for Molecular Medicine, Mass General Brigham Personalized Medicine
Classification: Likely pathogenic for Hypertrophic cardiomyopathy. Last evaluated: 2008-03-01. Review status: no assertion criteria provided. Collection method: clinical testing. Allele origin: germline. Observed: 2 variant alleles. Not counted in ClinVar's aggregate classification.

Clinical Genetics DNA and cytogenetics Diagnostics Lab, Erasmus MC, Erasmus Medical Center
Classification: Likely pathogenic. Review status: no assertion criteria provided. Collection method: clinical testing. Allele origin: germline. Affected: yes. Study: VKGL Data-share Consensus. Not counted in ClinVar's aggregate classification.

Clinical Genetics, Academic Medical Center
Classification: Likely pathogenic. Review status: no assertion criteria provided. Collection method: clinical testing. Allele origin: germline. Affected: yes. Study: VKGL Data-share Consensus. Not counted in ClinVar's aggregate classification.